The following is an entry in ClinVar:

ClinVar aggregate classification (germline): Likely benign. Review status: criteria provided, single submitter (1 of 4 stars). 2 submissions from 2 submitters: Likely benign (1). 1 of the submissions does not count toward it. Last evaluated 2024-01-21.

Conditions:
NDUFS6-related disorder. Also called: NDUFS6-related condition.

Allele frequency attached by ClinVar (database versions not stated): gnomAD exomes 0.00001 and 0.00002; ExAC 0.00002; gnomAD 0.00002 and 0.00003; TOPMed 0.00003.
gnomAD v4.1: 24 of 1,613,986 alleles (0.0015%); highest among the groups gnomAD compares: South Asian, 0.0088%; no homozygotes.

Submissions (2):

Labcorp Genetics (formerly Invitae), Labcorp
Classification: Likely benign. Last evaluated: 2024-01-21. Review status: criteria provided, single submitter. Criteria: Invitae Variant Classification Sherloc (09022015). Collection method: clinical testing. Allele origin: germline.

PreventionGenetics, part of Exact Sciences
Classification: Likely benign for NDUFS6-related condition. Last evaluated: 2019-11-20. Review status: no assertion criteria provided. Collection method: clinical testing. Allele origin: germline. Not counted in ClinVar's aggregate classification.
Comment: This variant is classified as likely benign based on ACMG/AMP sequence variant interpretation guidelines (Richards et al. 2015 PMID: 25741868, with internal and published modifications).

NM_004553.6(NDUFS6):c.267C>T (p.Gly89=)

Gene: NDUFS6 (NADH:ubiquinone oxidoreductase subunit S6; plus strand). Cytogenetic location: 5p15.33.
Variant type: single nucleotide variant.
Coding change: c.267C>T on transcript NM_004553.6 (MANE Select); coding-DNA position 267, C replaced by T.
Protein change: p.Gly89=; no amino-acid change (glycine 89 retained).
Molecular consequence: synonymous variant.
Genome position (GRCh38, 1-based): chr5:1,814,419, C>T. VCF-style: chr5-1814419-C-T. GRCh37 (hg19) VCF-style: chr5-1814533-C-T.
Other names: c.267C>T (NM_004553.4).
Identifiers: ClinVar variation 1112331 (VCV001112331.11), dbSNP rs769132703, ClinGen allele CA3187633.